The following is an entry in ClinVar:

ClinVar aggregate classification (germline): Uncertain significance (1 of 4 stars; one submission).

Conditions:
CYP7A1-related disorder. Also called: CYP7A1-related condition.

gnomAD v4.1: 8 of 1,613,702 alleles (0.0005%); highest among the groups gnomAD compares: Non-Finnish European, 0.00068%; no homozygotes.

Submission:

PreventionGenetics, part of Exact Sciences
Classification: Uncertain significance for CYP7A1-related condition. Last evaluated: 2026-06-04. Review status: criteria provided, single submitter. Criteria: ACMG Guidelines, 2015. Collection method: clinical testing. Allele origin: germline.
Comment: The CYP7A1 c.1301A>T variant is predicted to result in the amino acid substitution p.Tyr434Phe. To our knowledge, this variant has not been reported in the literature. This variant is reported in 0.00088% of alleles in individuals of European (Non-Finnish) descent in gnomAD. At this time, the clinical significance of this variant is uncertain due to the absence of conclusive functional and genetic evidence.

NM_000780.4(CYP7A1):c.1301A>T (p.Tyr434Phe)

Gene: CYP7A1 (cytochrome P450 family 7 subfamily A member 1; minus strand). Cytogenetic location: 8q12.1.
Variant type: single nucleotide variant.
Coding change: c.1301A>T on transcript NM_000780.4 (MANE Select); coding-DNA position 1301, A replaced by T.
Protein change: p.Tyr434Phe; replaces tyrosine 434 with phenylalanine.
Molecular consequence: missense variant.
Genome position (GRCh38, 1-based): chr8:58,491,689, T>A on the plus strand (A>T on the coding strand, the complement: CYP7A1 is on the minus strand). VCF-style: chr8-58491689-T-A. GRCh37 (hg19) VCF-style: chr8-59404248-T-A.
Other names: short protein forms Y434F.
Identifiers: ClinVar variation 4988171 (VCV004988171.1).